The following is an entry in ClinVar:

NM_003742.4(ABCB11):c.1638+1G>C

Gene: ABCB11 (ATP binding cassette subfamily B member 11; minus strand). Cytogenetic location: 2q31.1.
Variant type: single nucleotide variant.
Coding change: c.1638+1G>C on transcript NM_003742.4 (MANE Select); the canonical splice donor site of the intron after coding-DNA position 1638, G replaced by C.
Molecular consequence: splice donor variant.
Genome position (GRCh38, 1-based): chr2:168,971,846, C>G on the plus strand (G>C on the coding strand, the complement: ABCB11 is on the minus strand). VCF-style: chr2-168971846-C-G. GRCh37 (hg19) VCF-style: chr2-169828356-C-G.
Identifiers: ClinVar variation 4065798 (VCV004065798.3).

ClinVar aggregate classification (germline): Likely pathogenic. Review status: criteria provided, multiple submitters, no conflicts (2 of 4 stars). 2 submissions from 2 submitters: Likely pathogenic (2). Last evaluated 2026-04-14.

Conditions:
Progressive familial intrahepatic cholestasis type 2. Identifiers: Orphanet 79304, MedGen C3489789, MONDO:0011156, OMIM 601847.
Familial intrahepatic cholestasis. Identifiers: Orphanet 284385, MedGen CN296401, MONDO:0017290.

Submissions (2):

Genomenon, Inc
Classification: Likely pathogenic for Familial intrahepatic cholestasis. Last evaluated: 2026-04-14. Review status: criteria provided, single submitter. Criteria: Genomenon Sequence Variant Interpretation Standards - Updated. Collection method: curation. Allele origin: germline. Affected: yes.
Comment: ABCB11 c.1638+1G>C is a canonical splice variant affecting the donor splice site of intron 14. It is predicted to affect mRNA splicing, leading to a deleterious effect on the ABCB11 protein. This variant has been observed in at least one proband with an ABCB11-related disorder (PMID:39143102;32087350). At least one splicing study has demonstrated that this variant results in aberrant splicing (PMID:39143102). It is absent or not present at a significant frequency in gnomAD. In conclusion, we classify ABCB11 c.1638+1G>C as a likely pathogenic variant.

Natera, Inc.
Classification: Likely pathogenic for Progressive familial intrahepatic cholestasis type 2. Last evaluated: 2025-03-07. Review status: criteria provided, single submitter. Criteria: Natera Variant Classification Schema (03/2026). Collection method: clinical testing. Allele origin: germline.
Comment: The c.1638+1G>C variant in ABCB11 is a canonical splice donor site variant predicted to affect pre-mRNA splicing, which may result in an abnormal transcript and altered protein product. This variant is expected to result in nonsense mediated decay, truncation, or a dysfunctional protein product. This variant is rare in the general population with a frequency below the threshold expected for the associated phenotype(s). This variant has been observed in one or more individuals affected with the associated recessive disease, as either homozygous or compound heterozygous with a second variant (PMID: 39143102, 32087350). Functional studies show that this variant may disrupt protein function (PMID: 39143102). Given the available evidence, this variant is classified as Likely Pathogenic.

Literature cited by the submitters: PubMed 39143102 (cited by Genomenon, Inc and Natera, Inc.); PubMed 32087350 (cited by Genomenon, Inc and Natera, Inc.).